The following is an entry in ClinVar:

NM_007247.6(SYNRG):c.3063G>A (p.Ser1021=)

Genes: SYNRG (synergin gamma; minus strand), LOC126862546 (MED14-independent group 3 enhancer GRCh37_chr17:35901785-35902984; plus strand). Cytogenetic location: 17q12.
Variant type: single nucleotide variant.
Coding change: c.3063G>A on transcript NM_007247.6 (MANE Select); coding-DNA position 3063, G replaced by A.
Protein change: p.Ser1021=; no amino-acid change (serine 1021 retained).
Molecular consequence: synonymous variant.
Genome position (GRCh38, 1-based): chr17:37,542,111, C>T on the plus strand (G>A on the coding strand, the complement: SYNRG is on the minus strand). VCF-style: chr17-37542111-C-T. GRCh37 (hg19) VCF-style: chr17-35902213-C-T.
Other names: c.2829G>A, p.Ser943= (NM_001163544.3, NM_080550.5, NM_198882.3); c.2826G>A, p.Ser942= (NM_001163545.3); c.2694G>A, p.Ser898= (NM_001163546.3); c.2445G>A, p.Ser815= (NM_001163547.3); c.3366G>A, p.Ser1122= (NM_001405103.1); c.*856G>A (NM_080551.1).
Identifiers: ClinVar variation 3054010 (VCV003054010.2), dbSNP rs370791933, ClinGen allele CA8517319.

ClinVar aggregate classification (germline): Likely benign (0 of 4 stars; one submission).

Conditions:
SYNRG-related disorder. Also called: SYNRG-related condition.

Allele frequency attached by ClinVar (database versions not stated): gnomAD exomes 0.00003; ExAC 0.00004; gnomAD 0.00005; TOPMed 0.00005; ESP Exome Variant Server 0.00008.
gnomAD v4.1: 46 of 1,614,068 alleles (0.0028%); highest among the groups gnomAD compares: African/African-American, 0.0067%; no homozygotes.

Submission:

PreventionGenetics, part of Exact Sciences
Classification: Likely benign for SYNRG-related condition. Last evaluated: 2022-01-13. Review status: no assertion criteria provided. Collection method: clinical testing. Allele origin: germline.
Comment: This variant is classified as likely benign based on ACMG/AMP sequence variant interpretation guidelines (Richards et al. 2015 PMID: 25741868, with internal and published modifications).